The following is an entry in ClinVar:

ClinVar aggregate classification (germline): Likely benign. Review status: criteria provided, single submitter (1 of 4 stars). 2 submissions from 2 submitters: Likely benign (1). 1 of the submissions does not count toward it. Last evaluated 2025-05-18.

Conditions:
HNRNPK-related disorder. Also called: HNRNPK-related condition.

Allele frequency attached by ClinVar (database versions not stated): gnomAD 0.00003; TOPMed 0.00004.
gnomAD v4.1: 101 of 1,612,612 alleles (0.0063%); highest among the groups gnomAD compares: Admixed American, 0.0083%; 1 homozygote.

Submissions (2):

Labcorp Genetics (formerly Invitae), Labcorp
Classification: Likely benign. Last evaluated: 2025-05-18. Review status: criteria provided, single submitter. Criteria: Invitae Variant Classification Sherloc (09022015). Collection method: clinical testing. Allele origin: germline.

PreventionGenetics, part of Exact Sciences
Classification: Likely benign for HNRNPK-related condition. Last evaluated: 2019-11-26. Review status: no assertion criteria provided. Collection method: clinical testing. Allele origin: germline. Not counted in ClinVar's aggregate classification.
Comment: This variant is classified as likely benign based on ACMG/AMP sequence variant interpretation guidelines (Richards et al. 2015 PMID: 25741868, with internal and published modifications).

NM_031263.4(HNRNPK):c.1101C>T (p.Ser367=)

Gene: HNRNPK (heterogeneous nuclear ribonucleoprotein K; minus strand). Cytogenetic location: 9q21.32.
Variant type: single nucleotide variant.
Coding change: c.1101C>T on transcript NM_031263.4 (MANE Select); coding-DNA position 1101, C replaced by T.
Protein change: p.Ser367=; no amino-acid change (serine 367 retained).
Molecular consequence: synonymous variant.
Genome position (GRCh38, 1-based): chr9:83,970,904, G>A on the plus strand (C>T on the coding strand, the complement: HNRNPK is on the minus strand). VCF-style: chr9-83970904-G-A. GRCh37 (hg19) VCF-style: chr9-86585819-G-A.
Other names: c.1101C>T (NM_002140.4); c.1029C>T, p.Ser343= (NM_001318186.2, NM_001318187.2); c.1101C>T, p.Ser367= (NM_001318188.2, NM_002140.5, NM_031262.4).
Identifiers: ClinVar variation 2718411 (VCV002718411.5), dbSNP rs756956721, ClinGen allele CA5103929.
Genomic context (GRCh38, chr9:83,970,904, plus strand): 5'-TTCATTTAAAAAGTATGAAATTAATGTTTGACTTCACAAAGGAGAGAACTTACCATATCC[G>A]GAGCCACCCTAAAAACAGAAAGAAAAAAATAGAAAATTACTTTGCCGTTGTAATTACTAC-3'
Protein context (NP_112553.1, residues 357-377): WQMAYEPQGG[Ser367=]GYDYSYAGGR